The following is an entry in ClinVar:

NM_014251.3(SLC25A13):c.1340A>G (p.Asn447Ser)

Gene: SLC25A13 (solute carrier family 25 member 13; minus strand). Cytogenetic location: 7q21.3.
Variant type: single nucleotide variant.
Coding change: c.1340A>G on transcript NM_014251.3 (MANE Select); coding-DNA position 1340, A replaced by G.
Protein change: p.Asn447Ser; replaces asparagine 447 with serine.
Molecular consequence: missense variant. On other transcripts: non-coding transcript variant (1).
Genome position (GRCh38, 1-based): chr7:96,146,668, T>C on the plus strand (A>G on the coding strand, the complement: SLC25A13 is on the minus strand). VCF-style: chr7-96146668-T-C. GRCh37 (hg19) VCF-style: chr7-95775980-T-C.
Other names: c.1343A>G, p.Asn448Ser (NM_001160210.2); short protein forms N447S, N448S.
Identifiers: ClinVar variation 2154718 (VCV002154718.1), dbSNP rs766077420, ClinGen allele CA4352954.

ClinVar aggregate classification (germline): Uncertain significance (1 of 4 stars; one submission).

Conditions:
Citrin deficiency. Identifiers: Orphanet 247582, MedGen C1997910, MONDO:0016602.

Allele frequency attached by ClinVar (database versions not stated): ExAC 0.00001; gnomAD exomes 0.00001; TOPMed 0.00001.
gnomAD v4.1: 11 of 1,614,108 alleles (0.00068%); highest among the groups gnomAD compares: Non-Finnish European, 0.00093%; no homozygotes.

Submission:

Labcorp Genetics (formerly Invitae), Labcorp
Classification: Uncertain significance for Citrin deficiency. Last evaluated: 2022-07-19. Review status: criteria provided, single submitter. Criteria: Invitae Variant Classification Sherloc (09022015). Collection method: clinical testing. Allele origin: germline.
Comment: This sequence change replaces asparagine, which is neutral and polar, with serine, which is neutral and polar, at codon 447 of the SLC25A13 protein (p.Asn447Ser). This variant is present in population databases (rs766077420, gnomAD 0.0009%). This variant has not been reported in the literature in individuals affected with SLC25A13-related conditions. Advanced modeling of protein sequence and biophysical properties (such as structural, functional, and spatial information, amino acid conservation, physicochemical variation, residue mobility, and thermodynamic stability) performed at Invitae indicates that this missense variant is not expected to disrupt SLC25A13 protein function. In summary, the available evidence is currently insufficient to determine the role of this variant in disease. Therefore, it has been classified as a Variant of Uncertain Significance.